The following is an entry in ClinVar:

ClinVar aggregate classification (germline): Likely benign (1 of 4 stars; one submission).

Submission:

CeGaT Center for Human Genetics Tuebingen
Classification: Likely benign. Last evaluated: 2022-06-01. Review status: criteria provided, single submitter. Criteria: CeGaT Center For Human Genetics Tuebingen Variant Classification Criteria Version 2. Collection method: clinical testing. Allele origin: germline. Affected: yes. Observed: 1 variant allele.
Comment: GDF3: PM2:Supporting, BP4, BP7

NM_020634.3(GDF3):c.714C>T (p.Leu238=)

Gene: GDF3 (growth differentiation factor 3; minus strand). Cytogenetic location: 12p13.31.
Variant type: single nucleotide variant.
Coding change: c.714C>T on transcript NM_020634.3 (MANE Select); coding-DNA position 714, C replaced by T.
Protein change: p.Leu238=; no amino-acid change (leucine 238 retained).
Molecular consequence: synonymous variant.
Genome position (GRCh38, 1-based): chr12:7,690,259, G>A on the plus strand (C>T on the coding strand, the complement: GDF3 is on the minus strand). VCF-style: chr12-7690259-G-A. GRCh37 (hg19) VCF-style: chr12-7842855-G-A.
Identifiers: ClinVar variation 2642681 (VCV002642681.24), dbSNP rs2497339414, ClinGen allele CA478526816.